The following is an entry in ClinVar:

ClinVar aggregate classification (germline): Likely pathogenic (1 of 4 stars; one submission).

Conditions:
Generalized epilepsy-paroxysmal dyskinesia syndrome (PNKD3). Also called: Generalized epilepsy and paroxysmal dyskinesia; Paroxysmal nonkinesigenic dyskinesia, 3, with or without generalized epilepsy. Identifiers: Orphanet 79137, MedGen C5574945, MONDO:0012276, OMIM 609446.

Submission:

Labcorp Genetics (formerly Invitae), Labcorp
Classification: Likely pathogenic for Generalized epilepsy-paroxysmal dyskinesia syndrome. Last evaluated: 2023-11-12. Review status: criteria provided, single submitter. Criteria: Invitae Variant Classification Sherloc (09022015). Collection method: clinical testing. Allele origin: germline.
Comment: This sequence change affects a donor splice site in intron 23 of the KCNMA1 gene. It is expected to disrupt RNA splicing. Variants that disrupt the donor or acceptor splice site typically lead to a loss of protein function (PMID: 16199547), and loss-of-function variants in KCNMA1 are known to be pathogenic (PMID: 27567911, 29545233). This variant is not present in population databases (gnomAD no frequency). This variant has not been reported in the literature in individuals affected with KCNMA1-related conditions. Algorithms developed to predict the effect of sequence changes on RNA splicing suggest that this variant may disrupt the consensus splice site. In summary, the currently available evidence indicates that the variant is pathogenic, but additional data are needed to prove that conclusively. Therefore, this variant has been classified as Likely Pathogenic.

Literature cited by the submitters: PubMed 16199547; PubMed 27567911; PubMed 29545233.

NM_001161352.2(KCNMA1):c.3016+2T>C

Genes: KCNMA1-AS1 (KCNMA1 antisense RNA 1; plus strand), KCNMA1 (potassium calcium-activated channel subfamily M alpha 1; minus strand). Cytogenetic location: 10q22.3.
Variant type: single nucleotide variant.
Coding change: c.3016+2T>C on transcript NM_001161352.2 (MANE Select); the canonical splice donor site of the intron after coding-DNA position 3016, T replaced by C.
Molecular consequence: splice donor variant.
Genome position (GRCh38, 1-based): chr10:76,914,934, A>G on the plus strand (T>C on the coding strand, the complement: KCNMA1 is on the minus strand). VCF-style: chr10-76914934-A-G. GRCh37 (hg19) VCF-style: chr10-78674692-A-G.
Other names: c.2851+2T>C (NM_001322829.2, NM_001322836.2, NM_001271519.2); c.2854+2T>C (NM_001014797.3, NM_001322835.2, NM_001322837.2); c.2842+2T>C (NM_001410940.1, NM_001322832.2, NM_002247.4); c.2692+2T>C (NM_001271518.2); c.2863+2T>C (NM_001322830.2); c.2389+2T>C (NM_001322838.2); c.2965+2T>C (NM_001161353.2).
Identifiers: ClinVar variation 2702333 (VCV002702333.3), dbSNP rs2549038309, ClinGen allele CA377404211.
Genomic context (GRCh38, chr10:76,914,934, plus strand): 5'-ATATCCTGTATGGTTTGAAAGACAGAACAAAAACTCCCCCCAAAGCTGACATTGACCCCT[A>G]CCTAGTTCAGTGATGATGGGGATGTTGACCCCAGTTGTGATGGATGGTTGACGTAACATC-3'